The following is an entry in ClinVar:

NM_001127222.2(CACNA1A):c.3483G>A (p.Arg1161=)

Gene: CACNA1A (calcium voltage-gated channel subunit alpha1 A; minus strand). Cytogenetic location: 19p13.13.
Variant type: single nucleotide variant.
Coding change: c.3483G>A on transcript NM_001127222.2 (MANE Select); coding-DNA position 3483, G replaced by A.
Protein change: p.Arg1161=; no amino-acid change (arginine 1161 retained).
Molecular consequence: synonymous variant.
Genome position (GRCh38, 1-based): chr19:13,286,573, C>T on the plus strand (G>A on the coding strand, the complement: CACNA1A is on the minus strand). VCF-style: chr19-13286573-C-T. GRCh37 (hg19) VCF-style: chr19-13397387-C-T.
Other names: c.3495G>A, p.Arg1165= (NM_000068.4, NM_023035.3); c.3486G>A, p.Arg1162= (NM_001127221.2, NM_001174080.2).
Identifiers: ClinVar variation 624125 (VCV000624125.54), dbSNP rs772768681, ClinGen allele CA9240309.

ClinVar aggregate classification (germline): Likely benign. Review status: criteria provided, multiple submitters, no conflicts (2 of 4 stars). 4 submissions from 4 submitters: Likely benign (4). Last evaluated 2026-01-16.

Conditions:
Episodic ataxia type 2 (EA2). Also called: ATAXIA, EPISODIC, WITH NYSTAGMUS; ATAXIA, FAMILIAL PAROXYSMAL; ACETAZOLAMIDE-RESPONSIVE HEREDITARY PAROXYSMAL CEREBELLAR ATAXIA; CEREBELLAR ATAXIA, PAROXYSMAL, ACETAZOLAMIDE-RESPONSIVE; CEREBELLOPATHY, HEREDITARY PAROXYSMAL; EPISODIC ATAXIA, NYSTAGMUS-ASSOCIATED. Identifiers: Orphanet 97, MedGen C1720416, MONDO:0007163, OMIM 108500.
Developmental and epileptic encephalopathy, 42 (DEE42A). Also called: DEVELOPMENTAL AND EPILEPTIC ENCEPHALOPATHY 42A; EPILEPTIC ENCEPHALOPATHY, EARLY INFANTILE, 42A; Epileptic encephalopathy, early infantile, 42. Identifiers: MedGen C4310716, MONDO:0014917, OMIM 617106.

Allele frequency attached by ClinVar (database versions not stated): TOPMed 0.00001; gnomAD exomes 0.00002 and 0.00003; gnomAD 0.00003; ExAC 0.00004.
gnomAD v4.1: 30 of 1,548,250 alleles (0.0019%); highest among the groups gnomAD compares: Non-Finnish European, 0.0025%; no homozygotes.

Submissions (4):

Labcorp Genetics (formerly Invitae), Labcorp
Classification: Likely benign for Developmental and epileptic encephalopathy, 42; Episodic ataxia type 2. Last evaluated: 2026-01-16. Review status: criteria provided, single submitter. Criteria: Invitae Variant Classification Sherloc (09022015). Collection method: clinical testing. Allele origin: germline.

Blueprint Genetics
Classification: Likely benign. Last evaluated: 2024-09-22. Review status: criteria provided, single submitter. Criteria: ACMG Guidelines, 2015. Collection method: clinical testing. Allele origin: germline.

CeGaT Center for Human Genetics Tuebingen
Classification: Likely benign. Last evaluated: 2024-02-01. Review status: criteria provided, single submitter. Criteria: CeGaT Center For Human Genetics Tuebingen Variant Classification Criteria Version 2. Collection method: clinical testing. Allele origin: germline. Affected: yes. Observed: 5 variant alleles.
Comment: CACNA1A: BP4

GeneDx
Classification: Likely benign. Last evaluated: 2021-05-10. Review status: criteria provided, single submitter. Criteria: GeneDx Variant Classification Process June 2021. Collection method: clinical testing. Allele origin: germline. Affected: yes.